The following is an entry in ClinVar:

NM_003924.4(PHOX2B):c.641G>A (p.Gly214Asp)

Gene: PHOX2B (paired like homeobox 2B; minus strand). Cytogenetic location: 4p13.
Variant type: single nucleotide variant.
Coding change: c.641G>A on transcript NM_003924.4 (MANE Select); coding-DNA position 641, G replaced by A.
Protein change: p.Gly214Asp; replaces glycine 214 with aspartic acid.
Molecular consequence: missense variant.
Genome position (GRCh38, 1-based): chr4:41,746,111, C>T on the plus strand (G>A on the coding strand, the complement: PHOX2B is on the minus strand). VCF-style: chr4-41746111-C-T. GRCh37 (hg19) VCF-style: chr4-41748128-C-T.
Other names: short protein forms G214D.
Identifiers: ClinVar variation 3306267 (VCV003306267.1).
Genomic context (GRCh38, chr4:41,746,111, plus strand): 5'-CCTCCCGGGCCCCCGGGCCCCGCCGCCCCCGGAGCTCCAGCCGGGCTGGGCCCGCCGCCG[C>T]CGCCTCCATTCGCCCCGCAGCTGGGGGTGGGGTTGGGATTGGGACCTGGGCCCCCAGTGC-3'
Protein context (NP_003915.2, residues 204-224): PTPSCGANGG[Gly214Asp]GGGPSPAGAP

ClinVar aggregate classification (germline): Uncertain significance (1 of 4 stars; one submission).

Conditions:
Hereditary cancer-predisposing syndrome. Also called: Tumor predisposition; Hereditary Cancer Syndrome; Hereditary neoplastic syndrome; Neoplastic Syndromes, Hereditary. Identifiers: Orphanet 140162, MedGen C0027672, MeSH D009386, MONDO:0015356.

gnomAD v4.1: 1 of 1,584,662 alleles (0.000063%); highest among the groups gnomAD compares: African/African-American, 0.0014%; no homozygotes.

Submission:

Ambry Genetics
Classification: Uncertain significance for Hereditary cancer-predisposing syndrome. Last evaluated: 2024-05-31. Review status: criteria provided, single submitter. Criteria: Ambry Variant Classification Scheme 2023. Collection method: clinical testing. Allele origin: germline.
Comment: The p.G214D variant (also known as c.641G>A), located in coding exon 3 of the PHOX2B gene, results from a G to A substitution at nucleotide position 641. The glycine at codon 214 is replaced by aspartic acid, an amino acid with similar properties. This amino acid position is conserved. In addition, the in silico prediction for this alteration is inconclusive. Based on the available evidence, the clinical significance of this variant remains unclear.